The following is an entry in ClinVar:

ClinVar aggregate classification (germline): Pathogenic (1 of 4 stars; one submission).

Conditions:
Mucopolysaccharidosis, MPS-IV-A (MPS4A). Also called: MORQUIO SYNDROME A; GALACTOSAMINE-6-SULFATASE DEFICIENCY; GALNS DEFICIENCY; MORQUIO A DISEASE; MPS IVA; Mucopolysaccharidosis type IV A. Identifiers: Orphanet 309297, Orphanet 582, MedGen C0086651, MONDO:0009659, OMIM 253000.

Submission:

Department of Genetics and Endocrinology, Guangzhou Women and Children’s Medical Center
Classification: Pathogenic for Mucopolysaccharidosis, MPS-IV-A. Last evaluated: 2026-08-20. Review status: criteria provided, single submitter. Criteria: ACMG Guidelines, 2015. Collection method: clinical testing. Allele origin: germline. Affected: yes.
Comment: PVS1: nonsense variant (p.E450*) in GALNS, a gene where LOF is a known mechanism of disease; PM2: absent from population databases (gnomAD); PP4: patient phenotype is highly specific for MPS IVA.

NM_000512.5(GALNS):c.1348G>T (p.Glu450Ter)

Gene: GALNS (galactosamine (N-acetyl)-6-sulfatase; minus strand). Cytogenetic location: 16q24.3.
Variant type: single nucleotide variant.
Coding change: c.1348G>T on transcript NM_000512.5 (MANE Select); coding-DNA position 1348, G replaced by T.
Protein change: p.Glu450Ter; replaces glutamic acid 450 with a stop codon.
Molecular consequence: nonsense.
Genome position (GRCh38, 1-based): chr16:88,822,605, C>A on the plus strand (G>T on the coding strand, the complement: GALNS is on the minus strand). VCF-style: chr16-88822605-C-A. GRCh37 (hg19) VCF-style: chr16-88889013-C-A.
Other names: c.793G>T, p.Glu265Ter (NM_001323543.2); c.1366G>T, p.Glu456Ter (NM_001323544.2); short protein forms E265*, E450*, E456*.
Identifiers: ClinVar variation 4887001 (VCV004887001.1).